The following is an entry in ClinVar:

NM_015065.3(EXPH5):c.1829T>C (p.Ile610Thr)

Gene: EXPH5 (exophilin 5; minus strand). Cytogenetic location: 11q22.3.
Variant type: single nucleotide variant.
Coding change: c.1829T>C on transcript NM_015065.3 (MANE Select); coding-DNA position 1829, T replaced by C.
Protein change: p.Ile610Thr; replaces isoleucine 610 with threonine.
Molecular consequence: missense variant.
Genome position (GRCh38, 1-based): chr11:108,513,678, A>G on the plus strand (T>C on the coding strand, the complement: EXPH5 is on the minus strand). VCF-style: chr11-108513678-A-G. GRCh37 (hg19) VCF-style: chr11-108384405-A-G.
Other names: c.1601T>C, p.Ile534Thr (NM_001144763.2); c.1361T>C, p.Ile454Thr (NM_001144764.2); c.1265T>C, p.Ile422Thr (NM_001144765.2); c.1808T>C, p.Ile603Thr (NM_001308019.2); short protein forms I603T, I422T, I454T, I610T, I534T.
Identifiers: ClinVar variation 2067013 (VCV002067013.28), dbSNP rs115982109, ClinGen allele CA6267967.
Genomic context (GRCh38, chr11:108,513,678, plus strand): 5'-GAAGTTTTGAATGAGGATGCTAGAGTCTGAGCAATTCCAAATGAGGAAGCTTCTTTGTTT[A>G]TATGTACTTCTACAGGAGAACTGTCCTGTTGACTTACCAACTCACTAGATTTGACGTGAT-3'
Protein context (NP_055880.2, residues 600-620): QQDSSPVEVH[Ile610Thr]NKEASSFGIA

ClinVar aggregate classification (germline): Benign/Likely benign. Review status: criteria provided, multiple submitters, no conflicts (2 of 4 stars). 2 submissions from 2 submitters: Benign (1); Likely benign (1). Last evaluated 2023-03-01.

Allele frequency attached by ClinVar (database versions not stated): gnomAD exomes 0.00012; ExAC 0.00049; gnomAD 0.00123; TOPMed 0.00134; ESP Exome Variant Server 0.00138; 1000 Genomes Project 0.00280; 1000 Genomes Project 30x 0.00328.
gnomAD v4.1: 382 of 1,612,468 alleles (0.024%); highest among the groups gnomAD compares: African/African-American, 0.39%; 4 homozygotes.

Submissions (2):

CeGaT Center for Human Genetics Tuebingen
Classification: Likely benign. Last evaluated: 2023-03-01. Review status: criteria provided, single submitter. Criteria: CeGaT Center For Human Genetics Tuebingen Variant Classification Criteria Version 2. Collection method: clinical testing. Allele origin: germline. Affected: yes. Observed: 1 variant allele.
Comment: EXPH5: BP4, BS2

Labcorp Genetics (formerly Invitae), Labcorp
Classification: Benign. Last evaluated: 2022-03-11. Review status: criteria provided, single submitter. Criteria: Invitae Variant Classification Sherloc (09022015). Collection method: clinical testing. Allele origin: germline.